The following is an entry in ClinVar:

ClinVar aggregate classification (germline): Uncertain significance (1 of 4 stars; one submission).

Conditions:
Hereditary cancer-predisposing syndrome. Also called: Tumor predisposition; Neoplastic Syndromes, Hereditary; Hereditary neoplastic syndrome; Hereditary Cancer Syndrome. Identifiers: Orphanet 140162, MedGen C0027672, MeSH D009386, MONDO:0015356.

Submission:

Ambry Genetics
Classification: Uncertain significance for Hereditary cancer-predisposing syndrome. Last evaluated: 2024-09-06. Review status: criteria provided, single submitter. Criteria: Ambry Variant Classification Scheme 2023. Collection method: clinical testing. Allele origin: germline.
Comment: The p.V994A variant (also known as c.2981T>C), located in coding exon 19 of the ATM gene, results from a T to C substitution at nucleotide position 2981. The valine at codon 994 is replaced by alanine, an amino acid with similar properties. This amino acid position is conserved. In addition, this alteration is predicted to be tolerated by in silico analysis. Based on the available evidence, the clinical significance of this variant remains unclear.

NM_000051.4(ATM):c.2981T>C (p.Val994Ala)

Gene: ATM (ATM serine/threonine kinase; plus strand). Cytogenetic location: 11q22.3.
Variant type: single nucleotide variant.
Coding change: c.2981T>C on transcript NM_000051.4 (MANE Select); coding-DNA position 2981, T replaced by C.
Protein change: p.Val994Ala; replaces valine 994 with alanine.
Molecular consequence: missense variant.
Genome position (GRCh38, 1-based): chr11:108,271,310, T>C. VCF-style: chr11-108271310-T-C. GRCh37 (hg19) VCF-style: chr11-108142037-T-C.
Other names: c.2981T>C, p.Val994Ala (NM_001351834.2); short protein forms V994A.
Identifiers: ClinVar variation 3449489 (VCV003449489.1).